The following is an entry in ClinVar:

ClinVar aggregate classification (germline): Uncertain significance. Review status: criteria provided, multiple submitters, no conflicts (2 of 4 stars). 2 submissions from 2 submitters: Uncertain significance (2). Last evaluated 2024-12-22.

Conditions:
Inborn genetic diseases. Identifiers: MedGen C0950123, MeSH D030342.

Allele frequency attached by ClinVar (database versions not stated): 1000 Genomes Project 30x 0.00016.
gnomAD v4.1: 9 of 1,256,870 alleles (0.00072%); highest among the groups gnomAD compares: South Asian, 0.016%; no homozygotes.

Submissions (2):

Labcorp Genetics (formerly Invitae), Labcorp
Classification: Uncertain significance. Last evaluated: 2024-12-22. Review status: criteria provided, single submitter. Criteria: Invitae Variant Classification Sherloc (09022015). Collection method: clinical testing. Allele origin: germline.
Comment: This sequence change replaces arginine, which is basic and polar, with glutamine, which is neutral and polar, at codon 6 of the ITGB3 protein (p.Arg6Gln). This variant is not present in population databases (gnomAD no frequency). This variant has not been reported in the literature in individuals affected with ITGB3-related conditions. ClinVar contains an entry for this variant (Variation ID: 2472373). Invitae Evidence Modeling of protein sequence and biophysical properties (such as structural, functional, and spatial information, amino acid conservation, physicochemical variation, residue mobility, and thermodynamic stability) indicates that this missense variant is not expected to disrupt ITGB3 protein function with a negative predictive value of 95%. In summary, the available evidence is currently insufficient to determine the role of this variant in disease. Therefore, it has been classified as a Variant of Uncertain Significance.

Ambry Genetics
Classification: Uncertain significance for Inborn genetic diseases. Last evaluated: 2023-01-31. Review status: criteria provided, single submitter. Criteria: Ambry Variant Classification Scheme 2023. Collection method: clinical testing. Allele origin: germline.

NM_000212.3(ITGB3):c.17G>A (p.Arg6Gln)

Genes: ITGB3 (integrin subunit beta 3; plus strand), LOC130061041 (ATAC-STARR-seq lymphoblastoid silent region 8624; plus strand). Cytogenetic location: 17q21.32.
Variant type: single nucleotide variant.
Coding change: c.17G>A on transcript NM_000212.3 (MANE Select); coding-DNA position 17, G replaced by A.
Protein change: p.Arg6Gln; replaces arginine 6 with glutamine.
Molecular consequence: missense variant.
Genome position (GRCh38, 1-based): chr17:47,253,878, G>A. VCF-style: chr17-47253878-G-A. GRCh37 (hg19) VCF-style: chr17-45331244-G-A.
Other names: short protein forms R6Q.
Identifiers: ClinVar variation 2472373 (VCV002472373.5), dbSNP rs762907751, ClinGen allele CA400028247.